The following is an entry in ClinVar:

NM_007294.4(BRCA1):c.305C>T (p.Ala102Val)

Gene: BRCA1 (BRCA1 DNA repair associated; minus strand). Cytogenetic location: 17q21.31.
Variant type: single nucleotide variant.
Coding change: c.305C>T on transcript NM_007294.4 (MANE Select); coding-DNA position 305, C replaced by T.
Protein change: p.Ala102Val; replaces alanine 102 with valine.
Molecular consequence: missense variant. On other transcripts: non-coding transcript variant (1).
Genome position (GRCh38, 1-based): chr17:43,104,258, G>A on the plus strand (C>T on the coding strand, the complement: BRCA1 is on the minus strand). VCF-style: chr17-43104258-G-A. GRCh37 (hg19) VCF-style: chr17-41256275-G-A.
Other names: c.164C>T, p.Ala55Val (NM_001407696.1, NM_001407697.1, NM_001407698.1 and 99 more transcripts); c.95C>T, p.Ala32Val (NM_001407853.1, NM_001407879.1, NM_001407881.1 and 58 more transcripts); c.305C>T, p.Ala102Val (NM_001407854.1, NM_001407858.1, NM_001407859.1 and 165 more transcripts); c.227C>T, p.Ala76Val (NM_001407862.1, NM_001407874.1, NM_001407875.1 and 21 more transcripts); c.-77C>T (NM_001407959.1, NM_001407960.1, NM_001407962.1 and 4 more transcripts); c.296C>T, p.Ala99Val (NM_001408408.1, NM_001407646.1, NM_001407647.1); c.173C>T, p.Ala58Val (NM_001408451.1); short protein forms A55V, A99V, A102V, A58V, A32V, A76V.
Identifiers: ClinVar variation 1799342 (VCV001799342.8), dbSNP rs80357190, ClinGen allele CA10601540.

ClinVar aggregate classification (germline): Uncertain significance. Review status: criteria provided, multiple submitters, no conflicts (2 of 4 stars). 4 submissions from 4 submitters: Uncertain significance (4). Last evaluated 2025-07-03.

Conditions:
Hereditary breast ovarian cancer syndrome. Also called: Hereditary breast and/or ovarian cancer syndrome; Hereditary breast and ovarian cancer; Hereditary breast and ovarian cancer syndrome (HBOC); Hereditary breast and ovarian cancer syndrome; Breast and ovarian cancer; BRCA1- and BRCA2-Associated Hereditary Breast and Ovarian Cancer. Identifiers: Orphanet 145, MedGen C0677776, MeSH D061325, MONDO:0003582. Disease mechanism: loss of function.
Hereditary cancer-predisposing syndrome. Also called: Hereditary neoplastic syndrome; Neoplastic Syndromes, Hereditary; Tumor predisposition; Hereditary Cancer Syndrome. Identifiers: Orphanet 140162, MedGen C0027672, MeSH D009386, MONDO:0015356.

Submissions (4):

Ambry Genetics
Classification: Uncertain significance for Hereditary cancer-predisposing syndrome. Last evaluated: 2025-07-03. Review status: criteria provided, single submitter. Criteria: Ambry Variant Classification Scheme 2023. Collection method: clinical testing. Allele origin: germline.
Comment: The p.A102V variant (also known as c.305C>T), located in coding exon 5 of the BRCA1 gene, results from a C to T substitution at nucleotide position 305. The alanine at codon 102 is replaced by valine, an amino acid with similar properties. This alteration has been identified in a cohort of Nigerian breast cancer patients (Fackenthal JD et al. Int J Cancer, 2012 Sep;131:1114-23). This amino acid position is not well conserved in available vertebrate species. In addition, the in silico prediction for this alteration is inconclusive. Since supporting evidence is limited at this time, the clinical significance of this alteration remains unclear.

Labcorp Genetics (formerly Invitae), Labcorp
Classification: Uncertain significance for Hereditary breast ovarian cancer syndrome. Last evaluated: 2024-10-24. Review status: criteria provided, single submitter. Criteria: Invitae Variant Classification Sherloc (09022015). Collection method: clinical testing. Allele origin: germline.
Comment: This sequence change replaces alanine, which is neutral and non-polar, with valine, which is neutral and non-polar, at codon 102 of the BRCA1 protein (p.Ala102Val). This variant is not present in population databases (gnomAD no frequency). This missense change has been observed in individual(s) with breast cancer (PMID: 22034289). ClinVar contains an entry for this variant (Variation ID: 1799342). Invitae Evidence Modeling of protein sequence and biophysical properties (such as structural, functional, and spatial information, amino acid conservation, physicochemical variation, residue mobility, and thermodynamic stability) indicates that this missense variant is expected to disrupt BRCA1 protein function with a positive predictive value of 80%. In summary, the available evidence is currently insufficient to determine the role of this variant in disease. Therefore, it has been classified as a Variant of Uncertain Significance.

GeneDx
Classification: Uncertain significance. Last evaluated: 2023-12-24. Review status: criteria provided, single submitter. Criteria: GeneDx Variant Classification Process June 2021. Collection method: clinical testing. Allele origin: germline. Affected: yes.
Comment: Observed in an individual with breast cancer in published literature (PMID: 22034289); Published functional studies demonstrate maintained competency for ubiquitination (PMID: 25823446); Not observed at significant frequency in large population cohorts (gnomAD); In silico analysis supports that this missense variant does not alter protein structure/function; Also known as 424C>T; This variant is associated with the following publications: (PMID: 20215511, 22034289, 33087888, 25823446)

Blueprint Genetics
Classification: Uncertain significance. Last evaluated: 2023-03-10. Review status: criteria provided, single submitter. Criteria: ACMG Guidelines, 2015. Collection method: clinical testing. Allele origin: germline.

Literature cited by the submitters: PubMed 22034289 (cited by Ambry Genetics and Labcorp Genetics (formerly Invitae), Labcorp); PubMed 25823446 (cited by Ambry Genetics); PubMed 33087888 (cited by Ambry Genetics).